The following is an entry in ClinVar:

NM_001142800.2(EYS):c.9107A>G (p.Asn3036Ser)

Genes: EYS (EGF-like photoreceptor maintenance factor; minus strand), PHF3 (PHD finger protein 3; plus strand). Cytogenetic location: 6q12.
Variant type: single nucleotide variant.
Coding change: c.9107A>G on transcript NM_001142800.2 (MANE Select); coding-DNA position 9107, A replaced by G.
Protein change: p.Asn3036Ser; replaces asparagine 3036 with serine.
Molecular consequence: missense variant. On other transcripts: 3 prime UTR variant (5).
Genome position (GRCh38, 1-based): chr6:63,720,924, T>C on the plus strand (A>G on the coding strand, the complement: EYS is on the minus strand). VCF-style: chr6-63720924-T-C. GRCh37 (hg19) VCF-style: chr6-64430820-T-C.
Other names: c.*7216T>C (NM_001290259.2, NM_001370348.2, NM_001370349.2 and 2 more transcripts); c.9170A>G, p.Asn3057Ser (NM_001292009.2); short protein forms N3036S, N3057S.
Identifiers: ClinVar variation 2149050 (VCV002149050.3), dbSNP rs1768356902, ClinGen allele CA364383244.

ClinVar aggregate classification (germline): Uncertain significance (1 of 4 stars; one submission).

Allele frequency attached by ClinVar (database versions not stated): gnomAD 0.00001.
gnomAD v4.1: 1 of 1,551,166 alleles (0.000064%); highest among the groups gnomAD compares: African/African-American, 0.0014%; no homozygotes.

Submission:

Labcorp Genetics (formerly Invitae), Labcorp
Classification: Uncertain significance. Last evaluated: 2024-10-15. Review status: criteria provided, single submitter. Criteria: Invitae Variant Classification Sherloc (09022015). Collection method: clinical testing. Allele origin: germline.
Comment: This sequence change replaces asparagine, which is neutral and polar, with serine, which is neutral and polar, at codon 3036 of the EYS protein (p.Asn3036Ser). This variant is not present in population databases (gnomAD no frequency). This variant has not been reported in the literature in individuals affected with EYS-related conditions. ClinVar contains an entry for this variant (Variation ID: 2149050). Invitae Evidence Modeling of protein sequence and biophysical properties (such as structural, functional, and spatial information, amino acid conservation, physicochemical variation, residue mobility, and thermodynamic stability) indicates that this missense variant is not expected to disrupt EYS protein function with a negative predictive value of 80%. In summary, the available evidence is currently insufficient to determine the role of this variant in disease. Therefore, it has been classified as a Variant of Uncertain Significance.